The following is an entry in ClinVar:

ClinVar aggregate classification (germline): Likely pathogenic (1 of 4 stars; one submission).

Conditions:
Rhizomelic chondrodysplasia punctata type 3 (RCDP3). Also called: ALKYLDIHYDROXYACETONEPHOSPHATE SYNTHASE DEFICIENCY; Alkylglycerone Phosphate Synthase (AGPS) deficiency. Identifiers: Orphanet 177, Orphanet 309803, MedGen C1838612, MONDO:0010823, OMIM 600121. Disease mechanism: loss of function.

Submission:

Laboratory for Molecular Medicine, Mass General Brigham Personalized Medicine
Classification: Likely pathogenic for Rhizomelic chondrodysplasia punctata type 3. Last evaluated: 2020-04-20. Review status: criteria provided, single submitter. Criteria: LMM Criteria. Collection method: clinical testing. Allele origin: germline. Inheritance: Autosomal recessive inheritance. Observed: 1 variant allele.
Comment: The p.Glu346AlafsX26 variant in AGPS has not been previously reported in individuals with rhizomelic chondrodysplasia punctata and was absent from large population studies. This variant is predicted to cause a frameshift, which alters the proteinâ€™s amino acid sequence beginning at position 346 and leads to a premature termination codon 26 amino acids downstream. This alteration is then predicted to lead to a truncated or absent protein. Although most of the AGPS variants reported in patients with rhizomelic chondrodysplasia punctata have been missense changes, in vitro and in vivo functional studies and population data are supportive of a loss of function mechanism of disease (Itzkovitz 2012, Liegel 2014). In summary, this variant meets criteria to be classified as likely pathogenic for autosomal recessive rhizomelic chondrodysplasia punctata. ACMG/AMP Criteria applied: PVS1_Strong, PM2.

NM_003659.4(AGPS):c.1037_1043del (p.Glu346fs)

Gene: AGPS (alkylglycerone phosphate synthase; plus strand). Cytogenetic location: 2q31.2.
Variant type: Deletion.
Coding change: c.1037_1043del on transcript NM_003659.4 (MANE Select); coding-DNA positions 1037 to 1043, 7 bases deleted (AAAAAAG; older notation c.1037_1043delAAAAAAG).
Protein change: p.Glu346fs; shifts the reading frame from glutamic acid 346.
Molecular consequence: frameshift variant.
Genome position (GRCh38, 1-based): chr2:177,468,456-177,468,462, AAAAAAG deleted; deleting any 7 consecutive bases within chr2:177,468,454-177,468,462 gives the same sequence; the c. name uses the placement nearest the transcript's 3' end. VCF-style (leftmost placement, unchanged base first): chr2-177468453-TAGAAAAA-T. GRCh37 (hg19) VCF-style: chr2-178333181-TAGAAAAA-T.
Other names: short protein forms E346fs.
Identifiers: ClinVar variation 1120083 (VCV001120083.4), dbSNP rs2105675391, ClinGen allele CA2499215269.